The following is an entry in ClinVar:

ClinVar aggregate classification (germline): Pathogenic/Likely pathogenic. Review status: criteria provided, multiple submitters, no conflicts (2 of 4 stars). 6 submissions from 5 submitters: Pathogenic (4); Likely pathogenic (2). Last evaluated 2026-07-01.

Conditions:
RPGRIP1-related disorder. Also called: RPGRIP1-related condition.
Cone-rod dystrophy 13 (CORD13). Identifiers: Orphanet 1872, MedGen C2750720, MONDO:0011987, OMIM 608194.
Leber congenital amaurosis 6 (LCA6). Identifiers: Orphanet 65, MedGen C1854260, MONDO:0013446, OMIM 613826.

Allele frequency attached by ClinVar (database versions not stated): gnomAD 0.00002; TOPMed 0.00002.
gnomAD v4.1: 29 of 1,613,918 alleles (0.0018%); highest among the groups gnomAD compares: Non-Finnish European, 0.0022%; no homozygotes.

Submissions (6):

CeGaT Center for Human Genetics Tuebingen
Classification: Likely pathogenic. Last evaluated: 2026-07-01. Review status: criteria provided, single submitter. Criteria: CeGaT Center For Human Genetics Tuebingen Variant Classification Criteria Version 2. Collection method: clinical testing. Allele origin: germline. Affected: yes. Observed: 1 variant allele.
Comment: RPGRIP1: PM1, PM2, PM3, PM5

Labcorp Genetics (formerly Invitae), Labcorp
Classification: Pathogenic for Leber congenital amaurosis 6; Cone-rod dystrophy 13. Last evaluated: 2026-01-19. Review status: criteria provided, single submitter. Criteria: Invitae Variant Classification Sherloc (09022015). Collection method: clinical testing. Allele origin: germline.
Comment: This sequence change replaces histidine, which is basic and polar, with arginine, which is basic and polar, at codon 631 of the RPGRIP1 protein (p.His631Arg). This variant is present in population databases (rs535922252, gnomAD 0.02%). This missense change has been observed in individuals with RPGRIP1-related retinal dystrophy (PMID: 28559085; internal data). It has also been observed to segregate with disease in related individuals. ClinVar contains an entry for this variant (Variation ID: 834237). Invitae Evidence Modeling of protein sequence and biophysical properties (such as structural, functional, and spatial information, amino acid conservation, physicochemical variation, residue mobility, and thermodynamic stability) indicates that this missense variant is expected to disrupt RPGRIP1 protein function with a positive predictive value of 80%. This variant disrupts the p.His631 amino acid residue in RPGRIP1. Other variant(s) that disrupt this residue have been observed in individuals with RPGRIP1-related conditions (PMID: 25445212), which suggests that this may be a clinically significant amino acid residue. For these reasons, this variant has been classified as Pathogenic.

Fulgent Genetics
Classification: Likely pathogenic for Cone-rod dystrophy 13; Leber congenital amaurosis 6. Last evaluated: 2024-01-04. Review status: criteria provided, single submitter. Criteria: ACMG Guidelines, 2015. Collection method: clinical testing. Allele origin: germline.

Blueprint Genetics
Classification: Pathogenic for RPGRIP1-related disorders. Last evaluated: 2022-12-23. Review status: criteria provided, single submitter. Criteria: ACMG Guidelines, 2015. Collection method: clinical testing. Allele origin: germline. Affected: yes. Observed: 5 variant alleles.

Genome-Nilou Lab
Classification: Pathogenic for Leber congenital amaurosis 6. Last evaluated: 2021-11-07. Review status: criteria provided, single submitter. Criteria: ACMG Guidelines, 2015. Collection method: clinical testing. Allele origin: germline. Affected: no.

Genome-Nilou Lab
Classification: Pathogenic for Cone-rod dystrophy 13. Last evaluated: 2021-11-07. Review status: criteria provided, single submitter. Criteria: ACMG Guidelines, 2015. Collection method: clinical testing. Allele origin: germline. Affected: no.

Literature cited by the submitters: PubMed 28559085 (cited by Labcorp Genetics (formerly Invitae), Labcorp); PubMed 25445212 (cited by Labcorp Genetics (formerly Invitae), Labcorp).

NM_020366.4(RPGRIP1):c.1892A>G (p.His631Arg)

Gene: RPGRIP1 (RPGR interacting protein 1; plus strand). Cytogenetic location: 14q11.2.
Variant type: single nucleotide variant.
Coding change: c.1892A>G on transcript NM_020366.4 (MANE Select); coding-DNA position 1892, A replaced by G.
Protein change: p.His631Arg; replaces histidine 631 with arginine.
Molecular consequence: missense variant. On other transcripts: intron variant (4).
Genome position (GRCh38, 1-based): chr14:21,324,747, A>G. VCF-style: chr14-21324747-A-G. GRCh37 (hg19) VCF-style: chr14-21792906-A-G.
Other names: c.818A>G, p.His273Arg (NM_001377948.1); c.796+22A>G (NM_001377949.1); c.688+2743A>G (NM_001377523.1, NM_001377950.1); c.190+2743A>G (NM_001377951.1); short protein forms H273R, H631R.
Identifiers: ClinVar variation 834237 (VCV000834237.11), dbSNP rs535922252, ClinGen allele CA7089115.